The following is an entry in ClinVar:

NM_001008212.2(OPTN):c.1636C>T (p.Gln546Ter)

Gene: OPTN (optineurin; plus strand). Cytogenetic location: 10p13.
Variant type: single nucleotide variant.
Coding change: c.1636C>T on transcript NM_001008212.2 (MANE Select); coding-DNA position 1636, C replaced by T.
Protein change: p.Gln546Ter; replaces glutamine 546 with a stop codon.
Molecular consequence: nonsense.
Genome position (GRCh38, 1-based): chr10:13,136,768, C>T. VCF-style: chr10-13136768-C-T. GRCh37 (hg19) VCF-style: chr10-13178768-C-T.
Other names: c.1636C>T, p.Gln546Ter (NM_001008211.1, NM_001008213.1, NM_021980.4); short protein forms Q546*.
Identifiers: ClinVar variation 2052040 (VCV002052040.4), dbSNP rs2539087061, ClinGen allele CA376030684.

ClinVar aggregate classification (germline): Uncertain significance (1 of 4 stars; one submission).

Conditions:
Amyotrophic lateral sclerosis type 12 (ALS12). Also called: AMYOTROPHIC LATERAL SCLEROSIS 12 WITH OR WITHOUT FRONTOTEMPORAL DEMENTIA. Identifiers: Orphanet 803, MedGen C3150692, MONDO:0013264, OMIM 613435.
Glaucoma 1, open angle, E. Identifiers: MedGen C1842026, MONDO:0007665.
Primary open angle glaucoma (POAG). Also called: OPTN-related open angle glaucoma. Identifiers: MedGen C0339573, MONDO:0100553, OMIM 137760.

Submission:

Labcorp Genetics (formerly Invitae), Labcorp
Classification: Uncertain significance for Primary open angle glaucoma; Glaucoma 1, open angle, E; Amyotrophic lateral sclerosis type 12. Last evaluated: 2022-03-26. Review status: criteria provided, single submitter. Criteria: Invitae Variant Classification Sherloc (09022015). Collection method: clinical testing. Allele origin: germline.
Comment: This variant has not been reported in the literature in individuals affected with OPTN-related conditions. This variant is not present in population databases (gnomAD no frequency). This sequence change creates a premature translational stop signal (p.Gln546*) in the OPTN gene. While this is not anticipated to result in nonsense mediated decay, it is expected to disrupt the last 32 amino acid(s) of the OPTN protein. Experimental studies and prediction algorithms are not available or were not evaluated, and the functional significance of this variant is currently unknown. In summary, the available evidence is currently insufficient to determine the role of this variant in disease. Therefore, it has been classified as a Variant of Uncertain Significance. Algorithms developed to predict the effect of sequence changes on RNA splicing suggest that this variant may create or strengthen a splice site.